The following is an entry in ClinVar:

NM_000257.4(MYH7):c.1292T>C (p.Val431Ala)

Gene: MYH7 (myosin heavy chain 7; minus strand). Cytogenetic location: 14q11.2.
Variant type: single nucleotide variant.
Coding change: c.1292T>C on transcript NM_000257.4 (MANE Select); coding-DNA position 1292, T replaced by C.
Protein change: p.Val431Ala; replaces valine 431 with alanine.
Molecular consequence: missense variant.
Genome position (GRCh38, 1-based): chr14:23,429,070, A>G on the plus strand (T>C on the coding strand, the complement: MYH7 is on the minus strand). VCF-style: chr14-23429070-A-G. GRCh37 (hg19) VCF-style: chr14-23898279-A-G.
Other names: c.1292T>C, p.Val431Ala (NM_001407004.1); short protein forms V431A.
Identifiers: ClinVar variation 4879584 (VCV004879584.1).

ClinVar aggregate classification (germline): Uncertain significance (1 of 4 stars; one submission).

Conditions:
Hypertrophic cardiomyopathy 1 (CMH1). Also called: Familial hypertrophic cardiomyopathy 1; MYH7-Related Familial Hypertrophic Cardiomyopathy. Identifiers: MedGen C3495498, MONDO:0008647, OMIM 192600.

Submission:

Victorian Clinical Genetics Services, Murdoch Childrens Research Institute
Classification: Uncertain significance for Hypertrophic cardiomyopathy 1. Last evaluated: 2026-07-20. Review status: criteria provided, single submitter. Criteria: ACMG Guidelines, 2015. Collection method: clinical testing. Allele origin: germline. Affected: yes.
Comment: This variant is classified as VUS-3A. Evidence in support of pathogenic classification: This variant is absent from gnomAD v4; Variant is located in a hotspot region or cluster of pathogenic variants. This variant is found within the head region, which is enriched with pathogenic missense variants (PMID: 29300372); Missense variant predicted to be damaging by in silico tool(s) and/or highly conserved with a major amino acid change. Additional information: This variant is predicted to result in a missense amino acid change from Val to Ala; This variant is heterozygous; This gene is associated with both recessive and dominant disease. It usually has autosomal dominant inheritance; however, a recessive inheritance pattern has been observed in severe cases (OMIM); Alternative amino acid change(s) at the same position are present in gnomAD (highest allele count: v4: 2 heterozygote(s), 0 homozygote(s)). - This variant has no previous evidence of pathogenicity; No published evidence of segregation with disease has been identified for this variant; No published functional evidence has been identified for this variant; Other variant(s) comparable to the one identified in this case have inconclusive previous evidence for pathogenicity. p.(Val431Met) and p.(Val431Leu) have been classified as VUS by clinical laboratories in ClinVar, and have been reported in the literature in HCM cohorts (PMIDs: 29853478, 30297972). However, one individual with HCM and DCM was also reported with other MYH7 variants (Rani et al. 2019); The mechanism of disease for this gene is not clearly established; however, missense variants have been proposed to act in a dominant negative manner (PMID: 24714796); The condition associated with this gene has incomplete penetrance (PMID: 29300372); Inheritance information for this variant is not currently available in this individual.

Literature cited by the submitters: PubMed 30297972; PubMed 29853478; PubMed 24714796; PubMed 29300372.